The following is an entry in ClinVar:

NM_032043.3(BRIP1):c.1935+1del

Gene: BRIP1 (BRCA1 interacting DNA helicase 1; minus strand). Cytogenetic location: 17q23.2.
Variant type: Deletion.
Coding change: c.1935+1del on transcript NM_032043.3 (MANE Select); the canonical splice donor site of the intron after coding-DNA position 1935, one base deleted (G; older notation c.1935+1delG).
Molecular consequence: splice donor variant.
Genome position (GRCh38, 1-based): chr17:61,780,260, C deleted on the plus strand (G on the coding strand, the reverse complement: BRIP1 is on the minus strand); the first of 2 consecutive C bases (chr17:61,780,260-61,780,261); deleting either gives the same sequence. VCF-style (leftmost placement, unchanged base first): chr17-61780259-AC-A. GRCh37 (hg19) VCF-style: chr17-59857620-AC-A.
Identifiers: ClinVar variation 953253 (VCV000953253.9), dbSNP rs2077594062, ClinGen allele CA1139665779.

ClinVar aggregate classification (germline): Pathogenic (1 of 4 stars; one submission).

Conditions:
Familial cancer of breast. Also called: Hereditary breast cancer; hereditary breast carcinoma; BREAST CANCER, FAMILIAL. Identifiers: Orphanet 227535, MedGen C0346153, MONDO:0016419, OMIM 114480. Disease mechanism: loss of function.
Fanconi anemia complementation group J. Also called: BRIP1-Related Fanconi Anemia. Identifiers: Orphanet 84, MedGen C1836860, MONDO:0012187, OMIM 609054.

Submission:

Labcorp Genetics (formerly Invitae), Labcorp
Classification: Pathogenic for Familial cancer of breast; Fanconi anemia complementation group J. Last evaluated: 2023-12-11. Review status: criteria provided, single submitter. Criteria: Invitae Variant Classification Sherloc (09022015). Collection method: clinical testing. Allele origin: germline.
Comment: This sequence change creates a premature translational stop signal (p.Val646Phefs*42) in the BRIP1 gene. It is expected to result in an absent or disrupted protein product. Loss-of-function variants in BRIP1 are known to be pathogenic (PMID: 16116423, 17033622, 21964575). This variant is not present in population databases (gnomAD no frequency). This variant has not been reported in the literature in individuals affected with BRIP1-related conditions. This variant is also known as c.1935+1del. ClinVar contains an entry for this variant (Variation ID: 953253). For these reasons, this variant has been classified as Pathogenic.

Literature cited by the submitters: PubMed 16116423; PubMed 17033622; PubMed 21964575.